The following is an entry in ClinVar:

NM_015335.5(MED13L):c.2581T>G (p.Leu861Val)

Gene: MED13L (mediator complex subunit 13L; minus strand). Cytogenetic location: 12q24.21.
Variant type: single nucleotide variant.
Coding change: c.2581T>G on transcript NM_015335.5 (MANE Select); coding-DNA position 2581, T replaced by G.
Protein change: p.Leu861Val; replaces leucine 861 with valine.
Molecular consequence: missense variant.
Genome position (GRCh38, 1-based): chr12:115,997,219, A>C on the plus strand (T>G on the coding strand, the complement: MED13L is on the minus strand). VCF-style: chr12-115997219-A-C. GRCh37 (hg19) VCF-style: chr12-116435024-A-C.
Other names: short protein forms L861V.
Identifiers: ClinVar variation 2442676 (VCV002442676.1), dbSNP rs1592930332, ClinGen allele CA386890906.

ClinVar aggregate classification (germline): Uncertain significance (1 of 4 stars; one submission).

Submission:

GeneDx
Classification: Uncertain significance. Last evaluated: 2022-09-02. Review status: criteria provided, single submitter. Criteria: GeneDx Variant Classification Process June 2021. Collection method: clinical testing. Allele origin: germline. Affected: yes.
Comment: Not observed at significant frequency in large population cohorts (gnomAD); In silico analysis supports that this missense variant has a deleterious effect on protein structure/function; Has not been previously published as pathogenic or benign to our knowledge